The following is an entry in ClinVar:

NM_000232.5(SGCB):c.33+10T>C

Genes: SGCB (sarcoglycan beta; minus strand), LOC129992585 (ATAC-STARR-seq lymphoblastoid silent region 15421; plus strand). Cytogenetic location: 4q12.
Variant type: single nucleotide variant.
Coding change: c.33+10T>C on transcript NM_000232.5 (MANE Select); 10 bases into the intron after coding-DNA position 33, T replaced by C.
Molecular consequence: intron variant.
Genome position (GRCh38, 1-based): chr4:52,038,217, A>G on the plus strand (T>C on the coding strand, the complement: SGCB is on the minus strand). VCF-style: chr4-52038217-A-G. GRCh37 (hg19) VCF-style: chr4-52904383-A-G.
Other names: c.33+10T>C (NM_000232.4).
Identifiers: ClinVar variation 1083623 (VCV001083623.10), dbSNP rs1040348203, ClinGen allele CA96791567.

ClinVar aggregate classification (germline): Likely benign. Review status: criteria provided, multiple submitters, no conflicts (2 of 4 stars). 2 submissions from 2 submitters: Likely benign (2). Last evaluated 2025-12-28.

Conditions:
Autosomal recessive limb-girdle muscular dystrophy type 2E (LGMDR4). Also called: MUSCULAR DYSTROPHY, LIMB-GIRDLE, AUTOSOMAL RECESSIVE 4. Identifiers: Orphanet 119, MedGen C1858593, MONDO:0011423, OMIM 604286. Disease mechanism: Affects gamma-sarcoglycan and also disrupts the integrity of the entire sarcoglycan complex..

Allele frequency attached by ClinVar (database versions not stated): gnomAD exomes below 0.00001; gnomAD 0.00010 and 0.00011; TOPMed 0.00011; 1000 Genomes Project 30x 0.00031.

Submissions (2):

Labcorp Genetics (formerly Invitae), Labcorp
Classification: Likely benign for Autosomal recessive limb-girdle muscular dystrophy type 2E. Last evaluated: 2025-12-28. Review status: criteria provided, single submitter. Criteria: Invitae Variant Classification Sherloc (09022015). Collection method: clinical testing. Allele origin: germline.

Athena Diagnostics
Classification: Likely benign. Last evaluated: 2025-02-24. Review status: criteria provided, single submitter. Criteria: Athena Diagnostics Criteria. Collection method: clinical testing. Allele origin: unknown.
Comment: Computational tools yielded predictions that this variant is unlikely to have an effect on normal RNA splicing. This nucleotide position exhibits low evolutionary conservation.